The following is an entry in ClinVar:

NM_001017995.3(SH3PXD2B):c.1342C>T (p.Arg448Trp)

Gene: SH3PXD2B (SH3 and PX domains 2B; minus strand). Cytogenetic location: 5q35.1.
Variant type: single nucleotide variant.
Coding change: c.1342C>T on transcript NM_001017995.3 (MANE Select); coding-DNA position 1342, C replaced by T.
Protein change: p.Arg448Trp; replaces arginine 448 with tryptophan.
Molecular consequence: missense variant. On other transcripts: intron variant (1).
Genome position (GRCh38, 1-based): chr5:172,339,763, G>A on the plus strand (C>T on the coding strand, the complement: SH3PXD2B is on the minus strand). VCF-style: chr5-172339763-G-A. GRCh37 (hg19) VCF-style: chr5-171766767-G-A.
Other names: c.1188+6373C>T (NM_001308175.2); c.1342C>T (NM_001017995.2); short protein forms R448W.
Identifiers: ClinVar variation 498871 (VCV000498871.11), dbSNP rs552171716, ClinGen allele CA3561211.

ClinVar aggregate classification (germline): Conflicting classifications of pathogenicity. Review status: criteria provided, conflicting classifications (1 of 4 stars). 5 submissions from 5 submitters: Uncertain significance (4); Likely benign (1). Last evaluated 2022-12-01.

Conditions:
Inborn genetic diseases. Identifiers: MedGen C0950123, MeSH D030342.

Allele frequency attached by ClinVar (database versions not stated): gnomAD 0.00001; gnomAD exomes 0.00004 and 0.00009; TOPMed 0.00006; ExAC 0.00012; 1000 Genomes Project 30x 0.00016; 1000 Genomes Project 0.00020.
gnomAD v4.1: 56 of 1,613,176 alleles (0.0035%); highest among the groups gnomAD compares: South Asian, 0.019%; no homozygotes.

Submissions (5):

Ambry Genetics
Classification: Likely benign for Inborn genetic diseases. Last evaluated: 2022-12-01. Review status: criteria provided, single submitter. Criteria: Ambry Variant Classification Scheme 2023. Collection method: clinical testing. Allele origin: germline.

GeneDx
Classification: Uncertain significance. Last evaluated: 2022-10-07. Review status: criteria provided, single submitter. Criteria: GeneDx Variant Classification Process June 2021. Collection method: clinical testing. Allele origin: germline. Affected: yes.
Comment: In silico analysis supports that this missense variant has a deleterious effect on protein structure/function; Has not been previously published as pathogenic or benign to our knowledge

Labcorp Genetics (formerly Invitae), Labcorp
Classification: Uncertain significance. Last evaluated: 2022-08-08. Review status: criteria provided, single submitter. Criteria: Invitae Variant Classification Sherloc (09022015). Collection method: clinical testing. Allele origin: germline.
Comment: In summary, the available evidence is currently insufficient to determine the role of this variant in disease. Therefore, it has been classified as a Variant of Uncertain Significance. Algorithms developed to predict the effect of missense changes on protein structure and function are either unavailable or do not agree on the potential impact of this missense change (SIFT: "Deleterious"; PolyPhen-2: "Possibly Damaging"; Align-GVGD: "Class C0"). ClinVar contains an entry for this variant (Variation ID: 498871). This variant has not been reported in the literature in individuals affected with SH3PXD2B-related conditions. This variant is present in population databases (rs552171716, gnomAD 0.02%). This sequence change replaces arginine, which is basic and polar, with tryptophan, which is neutral and slightly polar, at codon 448 of the SH3PXD2B protein (p.Arg448Trp).

Blueprint Genetics
Classification: Uncertain significance. Last evaluated: 2020-12-18. Review status: criteria provided, single submitter. Criteria: ACMG Guidelines, 2015. Collection method: clinical testing. Allele origin: germline.

Eurofins Ntd Llc (ga)
Classification: Uncertain significance. Last evaluated: 2017-01-11. Review status: criteria provided, single submitter. Criteria: EGL Classification Definitions 2015. Collection method: clinical testing. Allele origin: germline. Observed: 1 variant allele, 1 heterozygote.